The following is an entry in ClinVar:

ClinVar aggregate classification (germline): Likely benign (0 of 4 stars; one submission).

Conditions:
INPP5E-related disorder. Also called: INPP5E-related condition.

Submission:

PreventionGenetics, part of Exact Sciences
Classification: Likely benign for INPP5E-related condition. Last evaluated: 2022-09-07. Review status: no assertion criteria provided. Collection method: clinical testing. Allele origin: germline.
Comment: This variant is classified as likely benign based on ACMG/AMP sequence variant interpretation guidelines (Richards et al. 2015 PMID: 25741868, with internal and published modifications).

NM_019892.6(INPP5E):c.-170C>T

Gene: INPP5E (inositol polyphosphate-5-phosphatase E; minus strand). Cytogenetic location: 9q34.3.
Variant type: single nucleotide variant.
Coding change: c.-170C>T on transcript NM_019892.6 (MANE Select); 170 bases upstream of the start codon, C replaced by T.
Molecular consequence: 5 prime UTR variant.
Genome position (GRCh38, 1-based): chr9:136,439,589, G>A on the plus strand (C>T on the coding strand, the complement: INPP5E is on the minus strand). VCF-style: chr9-136439589-G-A. GRCh37 (hg19) VCF-style: chr9-139334041-G-A.
Other names: c.-170C>T (NM_001318502.2).
Identifiers: ClinVar variation 3353467 (VCV003353467.1).
Genomic context (GRCh38, chr9:136,439,589, plus strand): 5'-GGCTCCCGCTTGGGCCGGGGATGGTCGCGGAGGGGCGGGGGCGGCTGCCGCATGGCCCGG[G>A]CCCCGAGTCCCGCCAGCCCCTCGGGGCTCCCAGACGCCGTTCCCAGGGCGGTCCGCAGGC-3'